The following is an entry in ClinVar:

ClinVar aggregate classification (germline): Benign/Likely benign. Review status: criteria provided, multiple submitters, no conflicts (2 of 4 stars). 2 submissions from 2 submitters: Benign (1); Likely benign (1). Last evaluated 2024-04-24.

Conditions:
Familial adenomatous polyposis 1 (FAP1). Also called: POLYPOSIS, ADENOMATOUS INTESTINAL; FAMILIAL ADENOMATOUS POLYPOSIS 1, ATTENUATED. Identifiers: MedGen C2713442, MONDO:0021056, OMIM 175100. Disease mechanism: loss of function.

Submissions (2):

Labcorp Genetics (formerly Invitae), Labcorp
Classification: Likely benign for Familial adenomatous polyposis 1. Last evaluated: 2024-04-24. Review status: criteria provided, single submitter. Criteria: Invitae Variant Classification Sherloc (09022015). Collection method: clinical testing. Allele origin: germline.

Myriad Genetics, Inc.
Classification: Benign for Familial adenomatous polyposis 1. Last evaluated: 2024-02-29. Review status: criteria provided, single submitter. Criteria: Myriad Autosomal Dominant, Autosomal Recessive and X-Linked Classification Criteria (2023). Collection method: clinical testing. Allele origin: unknown.
Comment: This variant is considered benign. This variant is a silent/synonymous amino acid change and it is not expected to impact splicing.

NM_000038.6(APC):c.1143C>A (p.Ala381=)

Gene: APC (APC regulator of Wnt signaling pathway; plus strand). Cytogenetic location: 5q22.2.
Variant type: single nucleotide variant.
Coding change: c.1143C>A on transcript NM_000038.6 (MANE Select); coding-DNA position 1143, C replaced by A.
Protein change: p.Ala381=; no amino-acid change (alanine 381 retained).
Molecular consequence: synonymous variant. On other transcripts: non-coding transcript variant (2), intron variant (15).
Genome position (GRCh38, 1-based): chr5:112,819,175, C>A. VCF-style: chr5-112819175-C-A. GRCh37 (hg19) VCF-style: chr5-112154872-C-A.
Other names: c.1143C>A, p.Ala381= (NM_001127510.3, NM_001354895.2, NM_001354896.2 and 4 more transcripts); c.1089C>A, p.Ala363= (NM_001127511.3); c.1173C>A, p.Ala391= (NM_001354897.2, NM_001407446.1); c.1068C>A, p.Ala356= (NM_001354898.2, NM_001407451.1); c.1059C>A, p.Ala353= (NM_001354899.2, NM_001407452.1); c.966C>A, p.Ala322= (NM_001354900.2, NM_001354901.2, NM_001407453.1); c.294C>A, p.Ala98= (NM_001354906.2, NM_001407470.1); c.85-94C>A (NM_001407472.1, NM_001407471.1); and 5 more.
Identifiers: ClinVar variation 3148228 (VCV003148228.3), dbSNP rs2149781680, ClinGen allele CA445960306.